The following is an entry in ClinVar:

NM_005732.4(RAD50):c.643C>T (p.Gln215Ter)

Gene: RAD50 (RAD50 double strand break repair protein; plus strand). Cytogenetic location: 5q31.1.
Variant type: single nucleotide variant.
Coding change: c.643C>T on transcript NM_005732.4 (MANE Select); coding-DNA position 643, C replaced by T.
Protein change: p.Gln215Ter; replaces glutamine 215 with a stop codon.
Molecular consequence: nonsense.
Genome position (GRCh38, 1-based): chr5:132,579,953, C>T. VCF-style: chr5-132579953-C-T. GRCh37 (hg19) VCF-style: chr5-131915645-C-T.
Other names: short protein forms Q215*.
Identifiers: ClinVar variation 141208 (VCV000141208.3), dbSNP rs587781576, ClinGen allele CA164772.

ClinVar aggregate classification (germline): Pathogenic (1 of 4 stars; one submission).

Conditions:
Hereditary cancer-predisposing syndrome. Also called: Neoplastic Syndromes, Hereditary; Tumor predisposition; Hereditary Cancer Syndrome; Hereditary neoplastic syndrome. Identifiers: Orphanet 140162, MedGen C0027672, MeSH D009386, MONDO:0015356.

Submission:

Ambry Genetics
Classification: Pathogenic for Hereditary cancer-predisposing syndrome. Last evaluated: 2013-09-17. Review status: criteria provided, single submitter. Criteria: Ambry Autosomal Dominant and X-Linked criteria (10/2015). Collection method: clinical testing. Allele origin: germline. Observed: 1 variant allele.
Comment: Ã¢â‚¬â€¹The p.Q215X pathogenic mutation (also known as c.643C>T), located in coding exon 5 of the RAD50 gene, results from a C to T substitution at nucleotide position 643. This changes the amino acid from a glutamine to a stop codon within coding exon 5. Since premature stop codons are typically deleterious in nature, this alteration is interpreted as a disease-causing mutation (ACMG Recommendations for Standards for Interpretation and Reporting of Sequence Variations. Revision 2007. Genet Med. 2008;10:294).